The following is an entry in ClinVar:

ClinVar aggregate classification (germline): Uncertain significance (1 of 4 stars; one submission).

gnomAD v4.1: 2 of 1,611,692 alleles (0.00012%); highest among the groups gnomAD compares: African/African-American, 0.0027%; no homozygotes.

Submission:

Labcorp Genetics (formerly Invitae), Labcorp
Classification: Uncertain significance. Last evaluated: 2024-07-22. Review status: criteria provided, single submitter. Criteria: Invitae Variant Classification Sherloc (09022015). Collection method: clinical testing. Allele origin: germline.
Comment: This sequence change replaces glutamic acid, which is acidic and polar, with glutamine, which is neutral and polar, at codon 117 of the FGF10 protein (p.Glu117Gln). This variant is not present in population databases (gnomAD no frequency). This variant has not been reported in the literature in individuals affected with FGF10-related conditions. An algorithm developed to predict the effect of missense changes on protein structure and function (PolyPhen-2) suggests that this variant is likely to be disruptive. In summary, the available evidence is currently insufficient to determine the role of this variant in disease. Therefore, it has been classified as a Variant of Uncertain Significance.

NM_004465.2(FGF10):c.349G>C (p.Glu117Gln)

Gene: FGF10 (fibroblast growth factor 10; minus strand). Cytogenetic location: 5p12.
Variant type: single nucleotide variant.
Coding change: c.349G>C on transcript NM_004465.2 (MANE Select); coding-DNA position 349, G replaced by C.
Protein change: p.Glu117Gln; replaces glutamic acid 117 with glutamine.
Molecular consequence: missense variant.
Genome position (GRCh38, 1-based): chr5:44,310,507, C>G on the plus strand (G>C on the coding strand, the complement: FGF10 is on the minus strand). VCF-style: chr5-44310507-C-G. GRCh37 (hg19) VCF-style: chr5-44310609-C-G.
Other names: short protein forms E117Q.
Identifiers: ClinVar variation 3615903 (VCV003615903.2).